The following is an entry in ClinVar:

NM_004656.4(BAP1):c.1893G>A (p.Glu631=)

Gene: BAP1 (BRCA1 associated deubiquitinase 1; minus strand). Cytogenetic location: 3p21.1.
Variant type: single nucleotide variant.
Coding change: c.1893G>A on transcript NM_004656.4 (MANE Select); coding-DNA position 1893, G replaced by A.
Protein change: p.Glu631=; no amino-acid change (glutamic acid 631 retained).
Molecular consequence: synonymous variant.
Genome position (GRCh38, 1-based): chr3:52,402,869, C>T on the plus strand (G>A on the coding strand, the complement: BAP1 is on the minus strand). VCF-style: chr3-52402869-C-T. GRCh37 (hg19) VCF-style: chr3-52436885-C-T.
Other names: c.1839G>A, p.Glu613= (NM_001410772.1).
Identifiers: ClinVar variation 3379183 (VCV003379183.1).

ClinVar aggregate classification (germline): Benign (1 of 4 stars; one submission).

Conditions:
BAP1-related tumor predisposition syndrome (TPDS1). Also called: BAP1 tumor predisposition syndrome; Tumor susceptibility linked to germline BAP1 mutations; COMMON Syndrome; TUMOR PREDISPOSITION SYNDROME 1. Identifiers: Orphanet 289539, MedGen C3280492, MONDO:0013692, OMIM 614327.

gnomAD v4.1: 2 of 1,614,090 alleles (0.00012%); highest among the groups gnomAD compares: Admixed American, 0.0033%; no homozygotes.

Submission:

Myriad Genetics, Inc.
Classification: Benign for BAP1-related tumor predisposition syndrome. Last evaluated: 2024-07-17. Review status: criteria provided, single submitter. Criteria: Myriad Autosomal Dominant, Autosomal Recessive and X-Linked Classification Criteria (2023). Collection method: clinical testing. Allele origin: unknown.
Comment: This variant is considered benign. This variant is a silent/synonymous amino acid change and it is not expected to impact splicing.